The following is an entry in ClinVar:

NM_032043.3(BRIP1):c.2905+1G>A

Gene: BRIP1 (BRCA1 interacting DNA helicase 1; minus strand). Cytogenetic location: 17q23.2.
Variant type: single nucleotide variant.
Coding change: c.2905+1G>A on transcript NM_032043.3 (MANE Select); the canonical splice donor site of the intron after coding-DNA position 2905, G replaced by A.
Molecular consequence: splice donor variant.
Genome position (GRCh38, 1-based): chr17:61,685,835, C>T on the plus strand (G>A on the coding strand, the complement: BRIP1 is on the minus strand). VCF-style: chr17-61685835-C-T. GRCh37 (hg19) VCF-style: chr17-59763196-C-T.
Identifiers: ClinVar variation 233111 (VCV000233111.16), dbSNP rs876660203, ClinGen allele CA10580785.

ClinVar aggregate classification (germline): Likely pathogenic. Review status: criteria provided, multiple submitters, no conflicts (2 of 4 stars). 4 submissions from 4 submitters: Likely pathogenic (3). 1 of the submissions does not count toward it. Last evaluated 2025-07-29.

Conditions:
Hereditary cancer-predisposing syndrome. Also called: Hereditary Cancer Syndrome; Neoplastic Syndromes, Hereditary; Tumor predisposition; Hereditary neoplastic syndrome. Identifiers: Orphanet 140162, MedGen C0027672, MeSH D009386, MONDO:0015356.
Fanconi anemia complementation group J. Also called: BRIP1-Related Fanconi Anemia. Identifiers: Orphanet 84, MedGen C1836860, MONDO:0012187, OMIM 609054.
Familial cancer of breast. Also called: Hereditary breast cancer; hereditary breast carcinoma; BREAST CANCER, FAMILIAL. Identifiers: Orphanet 227535, MedGen C0346153, MONDO:0016419, OMIM 114480. Disease mechanism: loss of function.
Ovarian cancer. Also called: OVARIAN CANCER, SOMATIC. Identifiers: Orphanet 213500, MedGen C1140680, MONDO:0008170, OMIM 167000.

Submissions (4):

Labcorp Genetics (formerly Invitae), Labcorp
Classification: Likely pathogenic for Familial cancer of breast; Fanconi anemia complementation group J. Last evaluated: 2025-07-29. Review status: criteria provided, single submitter. Criteria: Invitae Variant Classification Sherloc (09022015). Collection method: clinical testing. Allele origin: germline.
Comment: This sequence change affects a donor splice site in intron 19 of the BRIP1 gene. It is expected to disrupt RNA splicing. Variants that disrupt the donor or acceptor splice site typically lead to a loss of protein function (PMID: 16199547), and loss-of-function variants in BRIP1 are known to be pathogenic (PMID: 16116423, 17033622, 21964575). This variant is not present in population databases (gnomAD no frequency). This variant has not been reported in the literature in individuals affected with BRIP1-related conditions. ClinVar contains an entry for this variant (Variation ID: 233111). Algorithms developed to predict the effect of sequence changes on RNA splicing suggest that this variant may disrupt the consensus splice site. In summary, the currently available evidence indicates that the variant is pathogenic, but additional data are needed to prove that conclusively. Therefore, this variant has been classified as Likely Pathogenic.

Ambry Genetics
Classification: Likely pathogenic for Hereditary cancer-predisposing syndrome. Last evaluated: 2024-11-05. Review status: criteria provided, single submitter. Criteria: Ambry Variant Classification Scheme 2023. Collection method: clinical testing. Allele origin: germline.
Comment: The c.2905+1G>A intronic variant results from a G to A substitution one nucleotide after coding exon 18 of the BRIP1 gene. This nucleotide position is well conserved in available vertebrate species. In silico splice site analysis predicts that this alteration will weaken the native splice donor site. RNA studies have demonstrated that this alteration results in abnormal splicing in the set of samples tested (Ambry internal data). Alterations that disrupt the canonical splice site are expected to cause aberrant splicing, resulting in an abnormal protein. As such, this alteration is classified as likely pathogenic.

Myriad Genetics, Inc.
Classification: Likely pathogenic for Familial cancer of breast. Last evaluated: 2023-02-27. Review status: criteria provided, single submitter. Criteria: Myriad Autosomal Dominant, Autosomal Recessive and X-Linked Classification Criteria (2023). Collection method: clinical testing. Allele origin: unknown.
Comment: This variant is considered likely pathogenic. This variant occurs within a consensus splice junction and is predicted to result in abnormal mRNA splicing of either an out-of-frame exon or an in-frame exon necessary for protein stability and/or normal function.

Counsyl
Classification: Likely pathogenic for Fanconi anemia complementation group J; Ovarian cancer. Last evaluated: 2018-03-09. Review status: no assertion criteria provided. Collection method: clinical testing. Allele origin: unknown. Not counted in ClinVar's aggregate classification.

Literature cited by the submitters: PubMed 16199547 (cited by Labcorp Genetics (formerly Invitae), Labcorp); PubMed 16116423 (cited by Labcorp Genetics (formerly Invitae), Labcorp); PubMed 17033622 (cited by Labcorp Genetics (formerly Invitae), Labcorp); PubMed 21964575 (cited by Labcorp Genetics (formerly Invitae), Labcorp).